The following is an entry in ClinVar:

NM_001375567.1(FOCAD):c.4729-4G>T

Gene: FOCAD (focadhesin; plus strand). Cytogenetic location: 9p21.3.
Variant type: single nucleotide variant.
Coding change: c.4729-4G>T on transcript NM_001375567.1 (MANE Select); 4 bases into the intron before coding-DNA position 4729, G replaced by T.
Molecular consequence: intron variant.
Genome position (GRCh38, 1-based): chr9:20,986,284, G>T. VCF-style: chr9-20986284-G-T. GRCh37 (hg19) VCF-style: chr9-20986283-G-T.
Other names: c.4729-4G>T (NM_017794.5); c.4624-4G>T (NM_001375568.1, NM_001375570.1).
Identifiers: ClinVar variation 3046381 (VCV003046381.5), dbSNP rs201346351, ClinGen allele CA5008044.

ClinVar aggregate classification (germline): Likely benign. Review status: criteria provided, single submitter (1 of 4 stars). 2 submissions from 2 submitters: Likely benign (1). 1 of the submissions does not count toward it. Last evaluated 2026-01-07.

Conditions:
FOCAD-related disorder. Also called: FOCAD-related condition.

Allele frequency attached by ClinVar (database versions not stated): ExAC 0.00108.

Submissions (17):

Labcorp Genetics (formerly Invitae), Labcorp
Classification: Likely benign. Last evaluated: 2026-01-07. Review status: criteria provided, single submitter. Criteria: Invitae Variant Classification Sherloc (09022015). Collection method: clinical testing. Allele origin: germline.

PreventionGenetics, part of Exact Sciences
Classification: Benign for FOCAD-related condition. Last evaluated: 2023-12-11. Review status: no assertion criteria provided. Collection method: clinical testing. Allele origin: germline. Not counted in ClinVar's aggregate classification.
Comment: This variant is classified as benign based on ACMG/AMP sequence variant interpretation guidelines (Richards et al. 2015 PMID: 25741868, with internal and published modifications).

Dr. Peter K. Rogan Lab, Western University
No classification provided (evidence only). Condition: Malignant tumor of urinary bladder. Review status: no classification provided. Collection method: in vitro. Allele origin: not applicable. Functional consequence: retained intron. Not counted in ClinVar's aggregate classification.

Dr. Peter K. Rogan Lab, Western University
No classification provided (evidence only). Condition: Familial cancer of breast. Review status: no classification provided. Collection method: in vitro. Allele origin: not applicable. Functional consequence: retained intron. Not counted in ClinVar's aggregate classification.

Dr. Peter K. Rogan Lab, Western University
No classification provided (evidence only). Condition: Familial cancer of breast. Review status: no classification provided. Collection method: in vitro. Allele origin: not applicable. Functional consequence: retained intron. Not counted in ClinVar's aggregate classification.

Dr. Peter K. Rogan Lab, Western University
No classification provided (evidence only). Condition: Uterine corpus endometrial carcinoma. Review status: no classification provided. Collection method: in vitro. Allele origin: not applicable. Functional consequence: retained intron. Not counted in ClinVar's aggregate classification.

Dr. Peter K. Rogan Lab, Western University
No classification provided (evidence only). Condition: Uterine corpus endometrial carcinoma. Review status: no classification provided. Collection method: in vitro. Allele origin: not applicable. Functional consequence: retained intron. Not counted in ClinVar's aggregate classification.

Dr. Peter K. Rogan Lab, Western University
No classification provided (evidence only). Condition: Cervical cancer. Review status: no classification provided. Collection method: in vitro. Allele origin: not applicable. Functional consequence: skipped exon. Not counted in ClinVar's aggregate classification.

Dr. Peter K. Rogan Lab, Western University
No classification provided (evidence only). Condition: Sarcoma. Review status: no classification provided. Collection method: in vitro. Allele origin: not applicable. Functional consequence: retained intron. Not counted in ClinVar's aggregate classification.

Dr. Peter K. Rogan Lab, Western University
No classification provided (evidence only). Condition: Sarcoma. Review status: no classification provided. Collection method: in vitro. Allele origin: not applicable. Functional consequence: retained intron. Not counted in ClinVar's aggregate classification.

Dr. Peter K. Rogan Lab, Western University
No classification provided (evidence only). Condition: Sarcoma. Review status: no classification provided. Collection method: in vitro. Allele origin: not applicable. Functional consequence: retained intron. Not counted in ClinVar's aggregate classification.

Dr. Peter K. Rogan Lab, Western University
No classification provided (evidence only). Condition: Sarcoma. Review status: no classification provided. Collection method: in vitro. Allele origin: not applicable. Functional consequence: retained intron. Not counted in ClinVar's aggregate classification.

Dr. Peter K. Rogan Lab, Western University
No classification provided (evidence only). Condition: Cholangiocarcinoma. Review status: no classification provided. Collection method: in vitro. Allele origin: not applicable. Functional consequence: retained intron. Not counted in ClinVar's aggregate classification.

Dr. Peter K. Rogan Lab, Western University
No classification provided (evidence only). Condition: Cholangiocarcinoma. Review status: no classification provided. Collection method: in vitro. Allele origin: not applicable. Functional consequence: skipped exon. Not counted in ClinVar's aggregate classification.

Dr. Peter K. Rogan Lab, Western University
No classification provided (evidence only). Condition: Ovarian serous cystadenocarcinoma. Review status: no classification provided. Collection method: in vitro. Allele origin: not applicable. Functional consequence: retained intron. Not counted in ClinVar's aggregate classification.

Dr. Peter K. Rogan Lab, Western University
No classification provided (evidence only). Condition: Ovarian serous cystadenocarcinoma. Review status: no classification provided. Collection method: in vitro. Allele origin: not applicable. Functional consequence: retained intron. Not counted in ClinVar's aggregate classification.

Dr. Peter K. Rogan Lab, Western University
No classification provided (evidence only). Condition: Malignant tumor of esophagus. Review status: no classification provided. Collection method: in vitro. Allele origin: not applicable. Functional consequence: retained intron. Not counted in ClinVar's aggregate classification.